The following is an entry in ClinVar:

ClinVar aggregate classification (germline): Pathogenic (1 of 4 stars; one submission).

Submission:

GeneDx
Classification: Pathogenic. Last evaluated: 2023-11-22. Review status: criteria provided, single submitter. Criteria: GeneDx Variant Classification Process June 2021. Collection method: clinical testing. Allele origin: germline. Affected: yes.
Comment: In silico analysis supports that this missense variant has a deleterious effect on protein structure/function; Not observed at significant frequency in large population cohorts (gnomAD); This variant is associated with the following publications: (PMID: 27144938)

NM_199334.5(THRA):c.1151G>A (p.Arg384His)

Gene: THRA (thyroid hormone receptor alpha; plus strand). Cytogenetic location: 17q21.1.
Variant type: single nucleotide variant.
Coding change: c.1151G>A on transcript NM_199334.5 (MANE Select); coding-DNA position 1151, G replaced by A.
Protein change: p.Arg384His; replaces arginine 384 with histidine.
Molecular consequence: missense variant. On other transcripts: intron variant (3).
Genome position (GRCh38, 1-based): chr17:40,089,374, G>A. VCF-style: chr17-40089374-G-A. GRCh37 (hg19) VCF-style: chr17-38245627-G-A.
Other names: c.1110+41G>A (NM_001190919.2, NM_003250.6, NM_001190918.2); short protein forms R384H.
Identifiers: ClinVar variation 3340286 (VCV003340286.1).